The following is an entry in ClinVar:

ClinVar aggregate classification (germline): Benign (1 of 4 stars; one submission).

Allele frequency attached by ClinVar (database versions not stated): gnomAD exomes 0.00395; gnomAD 0.03819 and 0.04083; TOPMed 0.04298; 1000 Genomes Project 0.04373; 1000 Genomes Project 30x 0.04606.
gnomAD v4.1: 10,060 of 1,180,646 alleles (0.85%); highest among the groups gnomAD compares: African/African-American, 13%; 555 homozygotes.

Submission:

GeneDx
Classification: Benign. Last evaluated: 2018-06-17. Review status: criteria provided, single submitter. Criteria: GeneDx Variant Classification (06012015). Collection method: clinical testing. Allele origin: germline. Affected: yes.
Comment: This variant is considered likely benign or benign based on one or more of the following criteria: it is a conservative change, it occurs at a poorly conserved position in the protein, it is predicted to be benign by multiple in silico algorithms, and/or has population frequency not consistent with disease.

NM_147127.5(EVC2):c.2707-147C>G

Gene: EVC2 (EvC ciliary complex subunit 2; minus strand). Cytogenetic location: 4p16.2.
Variant type: single nucleotide variant.
Coding change: c.2707-147C>G on transcript NM_147127.5 (MANE Select); 147 bases into the intron before coding-DNA position 2707, C replaced by G.
Molecular consequence: intron variant.
Genome position (GRCh38, 1-based): chr4:5,615,691, G>C on the plus strand (C>G on the coding strand, the complement: EVC2 is on the minus strand). VCF-style: chr4-5615691-G-C. GRCh37 (hg19) VCF-style: chr4-5617418-G-C.
Other names: c.2467-147C>G (NM_001166136.2).
Identifiers: ClinVar variation 673898 (VCV000673898.1), dbSNP rs80101274, ClinGen allele CA91694075.